The following is an entry in ClinVar:

ClinVar aggregate classification (germline): Uncertain significance (1 of 4 stars; one submission).

Conditions:
HNF1B-related disorder. Also called: HNF1B-related condition; HNF1B-related disorders.

gnomAD v4.1: 1 of 1,550,798 alleles (0.000064%); highest among the groups gnomAD compares: Non-Finnish European, 0.000087%; no homozygotes.

Submission:

PreventionGenetics, part of Exact Sciences
Classification: Uncertain significance for HNF1B-related condition. Last evaluated: 2025-12-26. Review status: criteria provided, single submitter. Criteria: ACMG Guidelines, 2015. Collection method: clinical testing. Allele origin: germline.
Comment: The HNF1B c.1342C>T variant is predicted to result in the amino acid substitution p.Leu448Phe. To our knowledge, this variant has not been reported in the literature or in a large population database (gnomAD), indicating this variant is rare. At this time, the clinical significance of this variant is uncertain due to the absence of conclusive functional and genetic evidence.

NM_000458.4(HNF1B):c.1342C>T (p.Leu448Phe)

Gene: HNF1B (HNF1 homeobox B; minus strand). Cytogenetic location: 17q12.
Variant type: single nucleotide variant.
Coding change: c.1342C>T on transcript NM_000458.4 (MANE Select); coding-DNA position 1342, C replaced by T.
Protein change: p.Leu448Phe; replaces leucine 448 with phenylalanine.
Molecular consequence: missense variant. On other transcripts: intron variant (1).
Genome position (GRCh38, 1-based): chr17:37,701,175, G>A on the plus strand (C>T on the coding strand, the complement: HNF1B is on the minus strand). VCF-style: chr17-37701175-G-A. GRCh37 (hg19) VCF-style: chr17-36061180-G-A.
Other names: c.1264C>T, p.Leu422Phe (NM_001165923.4); c.1342C>T, p.Leu448Phe (NM_001411100.1); c.1261+3742C>T (NM_001304286.2); short protein forms L422F, L448F.
Identifiers: ClinVar variation 4979129 (VCV004979129.1).
Genomic context (GRCh38, chr17:37,701,175, plus strand): 5'-CTGCCAGGCTGCCGGCCACACTGTTGATGACAGGGACACTCTGTGCTTGGGAGGTGTTGA[G>A]GCCTGTGGGAGCAAGAGGAAAAGATCACAGACAGCTCCTGGGATAAGGAGAGGTGGATGG-3'
Protein context (NP_000449.1, residues 438-458): LSGVMAIAQS[Leu448Phe]NTSQAQSVPV